The following is an entry in ClinVar:

NM_005413.4(SIX3):c.237G>C (p.Met79Ile)

Gene: SIX3 (SIX homeobox 3; plus strand). Cytogenetic location: 2p21.
Variant type: single nucleotide variant.
Coding change: c.237G>C on transcript NM_005413.4 (MANE Select); coding-DNA position 237, G replaced by C.
Protein change: p.Met79Ile; replaces methionine 79 with isoleucine.
Molecular consequence: missense variant.
Genome position (GRCh38, 1-based): chr2:44,942,341, G>C. VCF-style: chr2-44942341-G-C. GRCh37 (hg19) VCF-style: chr2-45169480-G-C.
Other names: short protein forms M79I.
Identifiers: ClinVar variation 2851266 (VCV002851266.3), dbSNP rs2466513675, ClinGen allele CA346799141.

ClinVar aggregate classification (germline): Uncertain significance (1 of 4 stars; one submission).

Conditions:
Holoprosencephaly 2 (HPE2). Identifiers: Orphanet 2162, MedGen C1834877, MONDO:0007999, OMIM 157170.

Submission:

Labcorp Genetics (formerly Invitae), Labcorp
Classification: Uncertain significance for Holoprosencephaly 2. Last evaluated: 2023-05-02. Review status: criteria provided, single submitter. Criteria: Invitae Variant Classification Sherloc (09022015). Collection method: clinical testing. Allele origin: germline.
Comment: In summary, the available evidence is currently insufficient to determine the role of this variant in disease. Therefore, it has been classified as a Variant of Uncertain Significance. This variant disrupts the p.Met79 amino acid residue in SIX3. Other variant(s) that disrupt this residue have been observed in individuals with SIX3-related conditions (PMID: 19346217, 21940735), which suggests that this may be a clinically significant amino acid residue. Advanced modeling of protein sequence and biophysical properties (such as structural, functional, and spatial information, amino acid conservation, physicochemical variation, residue mobility, and thermodynamic stability) performed at Invitae indicates that this missense variant is not expected to disrupt SIX3 protein function. This variant has not been reported in the literature in individuals affected with SIX3-related conditions. This variant is not present in population databases (gnomAD no frequency). This sequence change replaces methionine, which is neutral and non-polar, with isoleucine, which is neutral and non-polar, at codon 79 of the SIX3 protein (p.Met79Ile).

Literature cited by the submitters: PubMed 19346217; PubMed 21940735.